The following is an entry in ClinVar:

ClinVar aggregate classification (germline): Uncertain significance (1 of 4 stars; one submission).

Conditions:
Paget disease of bone 2, early-onset (PDB2). Also called: Paget disease of bone 2. Identifiers: MedGen C4085251, MONDO:0011183, OMIM 602080.
Frontotemporal dementia and/or amyotrophic lateral sclerosis 1 (FTDALS1). Also called: Frontotemporal dementia with motor neuron disease 1; C9orf72 Frontotemporal Dementia and/or Amyotrophic Lateral Sclerosis. Identifiers: Orphanet 275872, MedGen C5779877, MONDO:0007105, OMIM 105550.

Submission:

Labcorp Genetics (formerly Invitae), Labcorp
Classification: Uncertain significance for Paget disease of bone 2, early-onset; Frontotemporal dementia and/or amyotrophic lateral sclerosis 1. Last evaluated: 2023-07-12. Review status: criteria provided, single submitter. Criteria: Invitae Variant Classification Sherloc (09022015). Collection method: clinical testing. Allele origin: germline.
Comment: This sequence change replaces asparagine, which is neutral and polar, with isoleucine, which is neutral and non-polar, at codon 125 of the SQSTM1 protein (p.Asn125Ile). This variant is not present in population databases (gnomAD no frequency). This variant has not been reported in the literature in individuals affected with SQSTM1-related conditions. Advanced modeling of protein sequence and biophysical properties (such as structural, functional, and spatial information, amino acid conservation, physicochemical variation, residue mobility, and thermodynamic stability) performed at Invitae indicates that this missense variant is expected to disrupt SQSTM1 protein function. In summary, the available evidence is currently insufficient to determine the role of this variant in disease. Therefore, it has been classified as a Variant of Uncertain Significance.

NM_003900.5(SQSTM1):c.374A>T (p.Asn125Ile)

Gene: SQSTM1 (sequestosome 1; plus strand). Cytogenetic location: 5q35.3.
Variant type: single nucleotide variant.
Coding change: c.374A>T on transcript NM_003900.5 (MANE Select); coding-DNA position 374, A replaced by T.
Protein change: p.Asn125Ile; replaces asparagine 125 with isoleucine.
Molecular consequence: missense variant.
Genome position (GRCh38, 1-based): chr5:179,823,930, A>T. VCF-style: chr5-179823930-A-T. GRCh37 (hg19) VCF-style: chr5-179250930-A-T.
Other names: c.122A>T, p.Asn41Ile (NM_001142298.2, NM_001142299.2); short protein forms N125I, N41I.
Identifiers: ClinVar variation 2948351 (VCV002948351.3), dbSNP rs769325755, ClinGen allele CA362443589.